The following is an entry in ClinVar:

ClinVar aggregate classification (germline): Uncertain significance. Review status: criteria provided, multiple submitters, no conflicts (2 of 4 stars). 2 submissions from 2 submitters: Uncertain significance (2). Last evaluated 2026-07-09.

Conditions:
Arrhythmogenic right ventricular dysplasia 8 (ARVD8). Also called: Arrhythmogenic Right Ventricular Dysplasia/Cardiomyopathy 8; ARRHYTHMOGENIC RIGHT VENTRICULAR DYSPLASIA, FAMILIAL, 8; ARRHYTHMOGENIC RIGHT VENTRICULAR CARDIOMYOPATHY 8. Identifiers: MedGen C1843896, MONDO:0011831, OMIM 607450.
Arrhythmogenic cardiomyopathy with wooly hair and keratoderma. Also called: PALMOPLANTAR KERATODERMA WITH LEFT VENTRICULAR CARDIOMYOPATHY AND WOOLLY HAIR; Carvajal syndrome; Dilated cardiomyopathy with woolly hair and keratoderma; Arrhythmogenic cardiomyopathy with woolly hair and keratoderma. Identifiers: Orphanet 65282, MedGen C1854063, MONDO:0011581, OMIM 605676.
Cardiovascular phenotype. Identifiers: MedGen CN230736.

Submissions (2):

Ambry Genetics
Classification: Uncertain significance for Cardiovascular phenotype. Last evaluated: 2026-07-09. Review status: criteria provided, single submitter. Criteria: Ambry Variant Classification Scheme 2023. Collection method: clinical testing. Allele origin: germline.
Comment: The p.M1203T variant (also known as c.3608T>C), located in coding exon 23 of the DSP gene, results from a T to C substitution at nucleotide position 3608. The methionine at codon 1203 is replaced by threonine, an amino acid with similar properties. This amino acid position is conserved. In addition, the in silico prediction for this alteration is inconclusive. Based on the available evidence, the clinical significance of this variant remains unclear.

Labcorp Genetics (formerly Invitae), Labcorp
Classification: Uncertain significance for Arrhythmogenic cardiomyopathy with wooly hair and keratoderma; Arrhythmogenic right ventricular dysplasia 8. Last evaluated: 2025-09-16. Review status: criteria provided, single submitter. Criteria: Invitae Variant Classification Sherloc (09022015). Collection method: clinical testing. Allele origin: germline.
Comment: This sequence change replaces methionine, which is neutral and non-polar, with threonine, which is neutral and polar, at codon 1203 of the DSP protein (p.Met1203Thr). This variant is not present in population databases (gnomAD no frequency). This variant has not been reported in the literature in individuals affected with DSP-related conditions. ClinVar contains an entry for this variant (Variation ID: 1975582). An algorithm developed to predict the effect of missense changes on protein structure and function (PolyPhen-2) suggests that this variant is likely to be tolerated. In summary, the available evidence is currently insufficient to determine the role of this variant in disease. Therefore, it has been classified as a Variant of Uncertain Significance.

NM_004415.4(DSP):c.3608T>C (p.Met1203Thr)

Gene: DSP (desmoplakin; plus strand). Cytogenetic location: 6p24.3.
Variant type: single nucleotide variant.
Coding change: c.3608T>C on transcript NM_004415.4 (MANE Select); coding-DNA position 3608, T replaced by C.
Protein change: p.Met1203Thr; replaces methionine 1203 with threonine.
Molecular consequence: missense variant. On other transcripts: intron variant (1).
Genome position (GRCh38, 1-based): chr6:7,579,798, T>C. VCF-style: chr6-7579798-T-C. GRCh37 (hg19) VCF-style: chr6-7580031-T-C.
Other names: c.3608T>C, p.Met1203Thr (NM_001319034.2); c.3582+26T>C (NM_001008844.3); short protein forms M1203T.
Identifiers: ClinVar variation 1975582 (VCV001975582.6), dbSNP rs2533924809, ClinGen allele CA362684451.
Genomic context (GRCh38, chr6:7,579,798, plus strand): 5'-CCCGGAAGAGAGAATATGAAAATGAGCTGGCAAAGGTAAGAAACCACTATAATGAGGAGA[T>C]GAGTAATTTAAGGAACAAGTATGAAACAGAGATTAACATTACGAAGACCACCATCAAGGA-3'
Protein context (NP_004406.2, residues 1193-1213): AKVRNHYNEE[Met1203Thr]SNLRNKYETE